The following is an entry in ClinVar:

NM_182914.3(SYNE2):c.6551T>C (p.Ile2184Thr)

Gene: SYNE2 (spectrin repeat containing nuclear envelope protein 2; plus strand). Cytogenetic location: 14q23.2.
Variant type: single nucleotide variant.
Coding change: c.6551T>C on transcript NM_182914.3 (MANE Select); coding-DNA position 6551, T replaced by C.
Protein change: p.Ile2184Thr; replaces isoleucine 2184 with threonine.
Molecular consequence: missense variant.
Genome position (GRCh38, 1-based): chr14:64,027,630, T>C. VCF-style: chr14-64027630-T-C. GRCh37 (hg19) VCF-style: chr14-64494348-T-C.
Other names: c.6551T>C, p.Ile2184Thr (NM_015180.6); short protein forms I2184T.
Identifiers: ClinVar variation 2570881 (VCV002570881.27), dbSNP rs2548021954, ClinGen allele CA389949371.

ClinVar aggregate classification (germline): Uncertain significance (1 of 4 stars; one submission).

Submission:

CeGaT Center for Human Genetics Tuebingen
Classification: Uncertain significance. Last evaluated: 2023-06-01. Review status: criteria provided, single submitter. Criteria: CeGaT Center For Human Genetics Tuebingen Variant Classification Criteria Version 2. Collection method: clinical testing. Allele origin: germline. Affected: yes. Observed: 1 variant allele.
Comment: SYNE2: PM2, BP4